The following is an entry in ClinVar:

NM_001164665.2(KIAA1549):c.5503G>C (p.Ala1835Pro)

Gene: KIAA1549 (KIAA1549; minus strand). Cytogenetic location: 7q34.
Variant type: single nucleotide variant.
Coding change: c.5503G>C on transcript NM_001164665.2 (MANE Select); coding-DNA position 5503, G replaced by C.
Protein change: p.Ala1835Pro; replaces alanine 1835 with proline.
Molecular consequence: missense variant.
Genome position (GRCh38, 1-based): chr7:138,840,228, C>G on the plus strand (G>C on the coding strand, the complement: KIAA1549 is on the minus strand). VCF-style: chr7-138840228-C-G. GRCh37 (hg19) VCF-style: chr7-138524973-C-G.
Other names: c.5503G>C, p.Ala1835Pro (NM_020910.3); short protein forms A1835P.
Identifiers: ClinVar variation 852020 (VCV000852020.8), dbSNP rs748223745, ClinGen allele CA4505536.
Genomic context (GRCh38, chr7:138,840,228, plus strand): 5'-AAGGCCAGCCTGGCCCCCCATACTGGCTGCCTCTGCTTGGCGGGATTTCCACTGGCTGAG[C>G]TCCAATTCTGCTGGCAATCCCCACCTGTGTCAGGTGCTGGATCTGGGAGCCTGGAAGGAA-3'
Protein context (NP_001158137.1, residues 1825-1845): TQVGIASRIG[Ala1835Pro]QPVEIPPSRG

ClinVar aggregate classification (germline): Uncertain significance. Review status: criteria provided, multiple submitters, no conflicts (2 of 4 stars). 2 submissions from 2 submitters: Uncertain significance (2). Last evaluated 2025-02-09.

Conditions:
Inborn genetic diseases. Identifiers: MedGen C0950123, MeSH D030342.

Allele frequency attached by ClinVar (database versions not stated): ExAC below 0.00001; gnomAD 0.00001; TOPMed 0.00002.
gnomAD v4.1: 10 of 1,586,790 alleles (0.00063%); highest among the groups gnomAD compares: African/African-American, 0.012%; no homozygotes.

Submissions (2):

Ambry Genetics
Classification: Uncertain significance for Inborn genetic diseases. Last evaluated: 2025-02-09. Review status: criteria provided, single submitter. Criteria: Ambry Variant Classification Scheme 2023. Collection method: clinical testing. Allele origin: germline.

Labcorp Genetics (formerly Invitae), Labcorp
Classification: Uncertain significance. Last evaluated: 2022-07-19. Review status: criteria provided, single submitter. Criteria: Invitae Variant Classification Sherloc (09022015). Collection method: clinical testing. Allele origin: germline.
Comment: This variant has not been reported in the literature in individuals affected with KIAA1549-related conditions. This sequence change replaces alanine, which is neutral and non-polar, with proline, which is neutral and non-polar, at codon 1835 of the KIAA1549 protein (p.Ala1835Pro). This variant is not present in population databases (gnomAD no frequency). ClinVar contains an entry for this variant (Variation ID: 852020). Algorithms developed to predict the effect of missense changes on protein structure and function are either unavailable or do not agree on the potential impact of this missense change (SIFT: "Deleterious"; PolyPhen-2: "Possibly Damaging"; Align-GVGD: "Class C0"). In summary, the available evidence is currently insufficient to determine the role of this variant in disease. Therefore, it has been classified as a Variant of Uncertain Significance.